The following is an entry in ClinVar:

NM_001042517.2(DIAPH3):c.2452C>T (p.Pro818Ser)

Gene: DIAPH3 (diaphanous related formin 3; minus strand). Cytogenetic location: 13q21.2.
Variant type: single nucleotide variant.
Coding change: c.2452C>T on transcript NM_001042517.2 (MANE Select); coding-DNA position 2452, C replaced by T.
Protein change: p.Pro818Ser; replaces proline 818 with serine.
Molecular consequence: missense variant.
Genome position (GRCh38, 1-based): chr13:59,879,384, G>A on the plus strand (C>T on the coding strand, the complement: DIAPH3 is on the minus strand). VCF-style: chr13-59879384-G-A. GRCh37 (hg19) VCF-style: chr13-60453518-G-A.
Other names: c.2419C>T, p.Pro807Ser (NM_001258366.2); c.2314C>T, p.Pro772Ser (NM_001258367.2); c.2242C>T, p.Pro748Ser (NM_001258368.2); c.2452C>T, p.Pro818Ser (NM_001258369.2); c.1663C>T, p.Pro555Ser (NM_001258370.2, NM_030932.4); short protein forms P555S, P807S, P818S, P748S, P772S.
Identifiers: ClinVar variation 3009282 (VCV003009282.3), dbSNP rs769126351, ClinGen allele CA6996380.

ClinVar aggregate classification (germline): Uncertain significance (1 of 4 stars; one submission).

Allele frequency attached by ClinVar (database versions not stated): gnomAD 0.00001; gnomAD exomes 0.00002; ExAC 0.00003; TOPMed below 0.00001.
gnomAD v4.1: 28 of 1,613,670 alleles (0.0017%); highest among the groups gnomAD compares: South Asian, 0.029%; no homozygotes.

Submission:

Labcorp Genetics (formerly Invitae), Labcorp
Classification: Uncertain significance. Last evaluated: 2026-01-08. Review status: criteria provided, single submitter. Criteria: Invitae Variant Classification Sherloc (09022015). Collection method: clinical testing. Allele origin: germline.
Comment: This sequence change replaces proline, which is neutral and non-polar, with serine, which is neutral and polar, at codon 818 of the DIAPH3 protein (p.Pro818Ser). This variant is present in population databases (rs769126351, gnomAD 0.01%). This variant has not been reported in the literature in individuals affected with DIAPH3-related conditions. ClinVar contains an entry for this variant (Variation ID: 3009282). An algorithm developed to predict the effect of missense changes on protein structure and function (PolyPhen-2) suggests that this variant is likely to be disruptive. In summary, the available evidence is currently insufficient to determine the role of this variant in disease. Therefore, it has been classified as a Variant of Uncertain Significance.